The following is an entry in ClinVar:

ClinVar aggregate classification (germline): Uncertain significance. Review status: criteria provided, multiple submitters, no conflicts (2 of 4 stars). 2 submissions from 2 submitters: Uncertain significance (2). Last evaluated 2023-09-04.

Conditions:
Early-infantile DEE. Also called: Early infantile epileptic encephalopathy with suppression bursts; Early infantile epileptic encephalopathy; Ohtahara syndrome. Identifiers: Orphanet 1934, MedGen C0393706, MONDO:0800491.

Allele frequency attached by ClinVar (database versions not stated): gnomAD exomes below 0.00001; TOPMed below 0.00001; gnomAD 0.00001.
gnomAD v4.1: 7 of 1,613,926 alleles (0.00043%); highest among the groups gnomAD compares: East Asian, 0.0022%; no homozygotes.

Submissions (2):

Labcorp Genetics (formerly Invitae), Labcorp
Classification: Uncertain significance for Early-infantile DEE. Last evaluated: 2023-09-04. Review status: criteria provided, single submitter. Criteria: Invitae Variant Classification Sherloc (09022015). Collection method: clinical testing. Allele origin: germline.
Comment: This variant is not present in population databases (gnomAD no frequency). In summary, the available evidence is currently insufficient to determine the role of this variant in disease. Therefore, it has been classified as a Variant of Uncertain Significance. Advanced modeling of protein sequence and biophysical properties (such as structural, functional, and spatial information, amino acid conservation, physicochemical variation, residue mobility, and thermodynamic stability) performed at Invitae indicates that this missense variant is not expected to disrupt GNAO1 protein function. ClinVar contains an entry for this variant (Variation ID: 2202339). This variant has not been reported in the literature in individuals affected with GNAO1-related conditions. This sequence change replaces valine, which is neutral and non-polar, with isoleucine, which is neutral and non-polar, at codon 186 of the GNAO1 protein (p.Val186Ile).

Revvity Omics, Revvity
Classification: Uncertain significance. Last evaluated: 2021-03-02. Review status: criteria provided, single submitter. Criteria: ACMG Guidelines, 2015. Collection method: clinical testing. Allele origin: germline.

NM_020988.3(GNAO1):c.556G>A (p.Val186Ile)

Gene: GNAO1 (G protein subunit alpha o1; plus strand). Cytogenetic location: 16q13.
Variant type: single nucleotide variant.
Coding change: c.556G>A on transcript NM_020988.3 (MANE Select); coding-DNA position 556, G replaced by A.
Protein change: p.Val186Ile; replaces valine 186 with isoleucine.
Molecular consequence: missense variant.
Genome position (GRCh38, 1-based): chr16:56,334,820, G>A. VCF-style: chr16-56334820-G-A. GRCh37 (hg19) VCF-style: chr16-56368732-G-A.
Other names: c.556G>A, p.Val186Ile (NM_138736.3); short protein forms V186I.
Identifiers: ClinVar variation 2202339 (VCV002202339.7), dbSNP rs1331690209, ClinGen allele CA395951646.
Genomic context (GRCh38, chr16:56,334,820, plus strand): 5'-GCCGACTACCAGCCCACCGAGCAGGACATCCTCCGAACCAGGGTCAAAACCACTGGCATC[G>A]TAGAAACCCACTTCACATTCAAGAACCTCCACTTCAGGTGAGGCCCAGAGAGGCCCCCAG-3'
Protein context (NP_066268.1, residues 176-196): LRTRVKTTGI[Val186Ile]ETHFTFKNLH